The following is an entry in ClinVar:

NM_018489.3(ASH1L):c.5091C>T (p.Asn1697=)

Gene: ASH1L (ASH1 like histone lysine methyltransferase; minus strand). Cytogenetic location: 1q22.
Variant type: single nucleotide variant.
Coding change: c.5091C>T on transcript NM_018489.3 (MANE Select); coding-DNA position 5091, C replaced by T.
Protein change: p.Asn1697=; no amino-acid change (asparagine 1697 retained).
Molecular consequence: synonymous variant.
Genome position (GRCh38, 1-based): chr1:155,439,064, G>A on the plus strand (C>T on the coding strand, the complement: ASH1L is on the minus strand). VCF-style: chr1-155439064-G-A. GRCh37 (hg19) VCF-style: chr1-155408855-G-A.
Other names: c.5091C>T, p.Asn1697= (NM_001366177.2).
Identifiers: ClinVar variation 3257138 (VCV003257138.17).

ClinVar aggregate classification (germline): Likely benign (1 of 4 stars; one submission).

gnomAD v4.1: 24 of 1,598,524 alleles (0.0015%); highest among the groups gnomAD compares: Admixed American, 0.0018%; no homozygotes.

Submission:

CeGaT Center for Human Genetics Tuebingen
Classification: Likely benign. Last evaluated: 2024-07-01. Review status: criteria provided, single submitter. Criteria: CeGaT Center For Human Genetics Tuebingen Variant Classification Criteria Version 2. Collection method: clinical testing. Allele origin: germline. Affected: yes. Observed: 1 variant allele.
Comment: ASH1L: BP4, BP7